The following is an entry in ClinVar:

ClinVar aggregate classification (germline): Uncertain significance. Review status: criteria provided, multiple submitters, no conflicts (2 of 4 stars). 2 submissions from 2 submitters: Uncertain significance (2). Last evaluated 2025-10-10.

Conditions:
Hypercholanemia, familial, 2. Also called: NTCP deficiency. Identifiers: MedGen C5543243, MONDO:0031003, OMIM 619256. Disease mechanism: loss of function.
SLC10A1-related disorder. Also called: SLC10A1-related condition.

Submissions (2):

PreventionGenetics, part of Exact Sciences
Classification: Uncertain significance for SLC10A1-related condition. Last evaluated: 2025-10-10. Review status: criteria provided, single submitter. Criteria: ACMG Guidelines, 2015. Collection method: clinical testing. Allele origin: germline.
Comment: The SLC10A1 c.105_107delGTT variant is predicted to result in an in-frame deletion (p.Leu35del). To our knowledge, this variant has not been reported in the literature. This variant is reported in 0.0033% of alleles in individuals of South Asian descent in gnomAD. At this time, the clinical significance of this variant is uncertain due to the absence of conclusive functional and genetic evidence.

Genomic Medicine Center of Excellence, King Faisal Specialist Hospital and Research Centre
Classification: Uncertain significance for Hypercholanemia, familial, 2. Last evaluated: 2024-04-04. Review status: criteria provided, single submitter. Criteria: ACMG Guidelines, 2015. Collection method: clinical testing. Allele origin: germline.

NM_003049.4(SLC10A1):c.102GTT[1] (p.Leu35del)

Gene: SLC10A1 (solute carrier family 10 member 1; minus strand). Cytogenetic location: 14q24.1.
Variant type: Microsatellite.
Coding change: c.102GTT[1] on transcript NM_003049.4 (MANE Select); one copy of the 3-base unit GTT starting at c.102; the reference has two copies in a row; one copy, 3 bases deleted; also written c.105_107del.
Protein change: p.Leu35del; deletes leucine 35.
Molecular consequence: inframe deletion.
Genome position (GRCh38, 1-based): chr14:69,797,049-69,797,051, AAC deleted on the plus strand (GTT on the coding strand, the reverse complement: SLC10A1 is on the minus strand); deleting any 3 consecutive bases within chr14:69,797,049-69,797,055 gives the same sequence; the position shown is the placement nearest the transcript's 3' end. VCF-style (leftmost placement, unchanged base first): chr14-69797048-GAAC-G. GRCh37 (hg19) VCF-style: chr14-70263765-GAAC-G.
Other names: c.105_107del (NM_003049.4); short protein forms L35del.
Identifiers: ClinVar variation 2634835 (VCV002634835.3), dbSNP rs780472863, ClinGen allele CA7246282.